The following is an entry in ClinVar:

NM_000051.4(ATM):c.9160G>C (p.Ala3054Pro)

Genes: ATM (ATM serine/threonine kinase; plus strand), C11orf65 (chromosome 11 open reading frame 65; minus strand). Cytogenetic location: 11q22.3.
Variant type: single nucleotide variant.
Coding change: c.9160G>C on transcript NM_000051.4 (MANE Select); coding-DNA position 9160, G replaced by C.
Protein change: p.Ala3054Pro; replaces alanine 3054 with proline.
Molecular consequence: missense variant. On other transcripts: intron variant (2).
Genome position (GRCh38, 1-based): chr11:108,365,497, G>C. VCF-style: chr11-108365497-G-C. GRCh37 (hg19) VCF-style: chr11-108236224-G-C.
Other names: c.9160G>C, p.Ala3054Pro (NM_001351834.2); c.640+20423C>G (NM_001330368.2); c.694+20423C>G (NM_001351110.2); short protein forms A3054P.
Identifiers: ClinVar variation 823056 (VCV000823056.17), dbSNP rs1565609869, ClinGen allele CA382532182.

ClinVar aggregate classification (germline): Uncertain significance. Review status: criteria provided, multiple submitters, no conflicts (2 of 4 stars). 5 submissions from 5 submitters: Uncertain significance (5). Last evaluated 2023-11-06.

Conditions:
Hereditary cancer-predisposing syndrome. Also called: Tumor predisposition; Neoplastic Syndromes, Hereditary; Hereditary Cancer Syndrome; Hereditary neoplastic syndrome. Identifiers: Orphanet 140162, MedGen C0027672, MeSH D009386, MONDO:0015356.
Familial cancer of breast. Also called: Hereditary breast cancer; BREAST CANCER, FAMILIAL; hereditary breast carcinoma. Identifiers: Orphanet 227535, MedGen C0346153, MONDO:0016419, OMIM 114480. Disease mechanism: loss of function.
Familial colorectal cancer type X. Identifiers: Orphanet 440437, MedGen C3896578, MONDO:0018604.
Ataxia-telangiectasia syndrome (AT). Also called: ATAXIA-TELANGIECTASIA, COMPLEMENTATION GROUP A; ATAXIA-TELANGIECTASIA, FRESNO VARIANT; Ataxia-telangiectasia; Ataxia-telangiectasia, complementation group D; AT, COMPLEMENTATION GROUP C; Ataxia-telangiectasia, complementation group E. Identifiers: Orphanet 100, MedGen C0004135, MONDO:0008840, OMIM 208900.

Submissions (5):

Color Diagnostics, LLC DBA Color Health
Classification: Uncertain significance for Hereditary cancer-predisposing syndrome. Last evaluated: 2023-11-06. Review status: criteria provided, single submitter. Criteria: ACMG Guidelines, 2015. Collection method: clinical testing. Allele origin: germline.
Comment: This missense variant replaces alanine with proline at codon 3054 of the ATM protein. Computational prediction suggests that this variant may not impact protein structure and function (internally defined REVEL score threshold <= 0.5, PMID: 27666373). To our knowledge, functional studies have not been reported for this variant. This variant has not been reported in individuals affected with ATM-related disorders in the literature. This variant has not been identified in the general population by the Genome Aggregation Database (gnomAD). The available evidence is insufficient to determine the role of this variant in disease conclusively. Therefore, this variant is classified as a Variant of Uncertain Significance.

Baylor Genetics
Classification: Uncertain significance for Familial cancer of breast. Last evaluated: 2023-10-14. Review status: criteria provided, single submitter. Criteria: ACMG Guidelines, 2015. Collection method: clinical testing. Allele origin: unknown.

Ambry Genetics
Classification: Uncertain significance for Hereditary cancer-predisposing syndrome. Last evaluated: 2023-06-08. Review status: criteria provided, single submitter. Criteria: Ambry Variant Classification Scheme 2023. Collection method: clinical testing. Allele origin: germline.
Comment: The p.A3054P variant (also known as c.9160G>C), located in coding exon 62 of the ATM gene, results from a G to C substitution at nucleotide position 9160. The alanine at codon 3054 is replaced by proline, an amino acid with highly similar properties. This amino acid position is highly conserved through mammals but not in all available vertebrate species. In addition, this alteration is predicted to be tolerated by in silico analysis. Since supporting evidence is limited at this time, the clinical significance of this alteration remains unclear.

Labcorp Genetics (formerly Invitae), Labcorp
Classification: Uncertain significance for Ataxia-telangiectasia syndrome. Last evaluated: 2023-05-20. Review status: criteria provided, single submitter. Criteria: Invitae Variant Classification Sherloc (09022015). Collection method: clinical testing. Allele origin: germline.
Comment: In summary, the available evidence is currently insufficient to determine the role of this variant in disease. Therefore, it has been classified as a Variant of Uncertain Significance. Algorithms developed to predict the effect of missense changes on protein structure and function output the following: SIFT: "Not Available"; PolyPhen-2: "Benign"; Align-GVGD: "Not Available". The proline amino acid residue is found in multiple mammalian species, which suggests that this missense change does not adversely affect protein function. ClinVar contains an entry for this variant (Variation ID: 823056). This variant has not been reported in the literature in individuals affected with ATM-related conditions. This variant is not present in population databases (gnomAD no frequency). This sequence change replaces alanine, which is neutral and non-polar, with proline, which is neutral and non-polar, at codon 3054 of the ATM protein (p.Ala3054Pro).

Department of Pathology and Laboratory Medicine, Sinai Health System
Classification: Uncertain significance for Familial colorectal cancer type X. Last evaluated: 2022-02-22. Review status: criteria provided, single submitter. Criteria: ACMG Guidelines, 2015. Collection method: clinical testing. Allele origin: germline. Affected: yes.